The following is an entry in ClinVar:

NC_000023.10:g.(?_32360207)_(32404592_?)del

Gene: DMD (dystrophin; minus strand). Cytogenetic location: Xp21.1.
Variant type: Deletion.
Identifiers: ClinVar variation 1075731 (VCV001075731.7).

ClinVar aggregate classification (germline): Pathogenic (1 of 4 stars; one submission).

Conditions:
Duchenne muscular dystrophy (DMD). Also called: MUSCULAR DYSTROPHY, PSEUDOHYPERTROPHIC PROGRESSIVE, DUCHENNE TYPE; Duchenne Muscular Dystrophy (DMD). Identifiers: Orphanet 98896, MedGen C0013264, MONDO:0010679, OMIM 310200.

Submission:

Labcorp Genetics (formerly Invitae), Labcorp
Classification: Pathogenic for Duchenne muscular dystrophy. Last evaluated: 2021-08-12. Review status: criteria provided, single submitter. Criteria: Invitae Variant Classification Sherloc (09022015). Collection method: clinical testing. Allele origin: germline.
Comment: This variant is a gross deletion of the genomic region encompassing exon(s) 33-41 of the DMD gene. This variant would be expected to be in-frame, preserving the integrity of the reading frame. This variant has not been reported in the literature in individuals affected with DMD-related conditions. The region of the DMD gene that includes exon(s) 40 has been determined to be clinically significant (PMID: 21520333, 28116794). Therefore, deletions that encompass that region are likely to be disease-causing. For these reasons, this variant has been classified as Pathogenic.

Literature cited by the submitters: PubMed 21520333; PubMed 28116794.